The following is an entry in ClinVar:

ClinVar aggregate classification (germline): Uncertain significance. Review status: criteria provided, multiple submitters, no conflicts (2 of 4 stars). 3 submissions from 3 submitters: Uncertain significance (3). Last evaluated 2025-08-29.

Conditions:
Adams-Oliver syndrome 5 (AOS5). Identifiers: Orphanet 974, MedGen C4014970, MONDO:0014459, OMIM 616028.
Familial thoracic aortic aneurysm and aortic dissection (TAAD). Also called: Thoracic aortic aneurysms and dissections. Identifiers: Orphanet 91387, MedGen C4707243, MONDO:0019625.

Allele frequency attached by ClinVar (database versions not stated): gnomAD 0.00001; gnomAD exomes 0.00001; TOPMed 0.00001.
gnomAD v4.1: 13 of 1,612,036 alleles (0.00081%); highest among the groups gnomAD compares: Non-Finnish European, 0.0011%; no homozygotes.

Submissions (3):

Labcorp Genetics (formerly Invitae), Labcorp
Classification: Uncertain significance for Adams-Oliver syndrome 5. Last evaluated: 2025-08-29. Review status: criteria provided, single submitter. Criteria: Invitae Variant Classification Sherloc (09022015). Collection method: clinical testing. Allele origin: germline.
Comment: This sequence change replaces glycine, which is neutral and non-polar, with arginine, which is basic and polar, at codon 1422 of the NOTCH1 protein (p.Gly1422Arg). This variant is not present in population databases (gnomAD no frequency). This variant has not been reported in the literature in individuals affected with NOTCH1-related conditions. ClinVar contains an entry for this variant (Variation ID: 1396244). Invitae Evidence Modeling of protein sequence and biophysical properties (such as structural, functional, and spatial information, amino acid conservation, physicochemical variation, residue mobility, and thermodynamic stability) indicates that this missense variant is expected to disrupt NOTCH1 protein function with a positive predictive value of 80%. In summary, the available evidence is currently insufficient to determine the role of this variant in disease. Therefore, it has been classified as a Variant of Uncertain Significance.

GeneDx
Classification: Uncertain significance. Last evaluated: 2025-06-10. Review status: criteria provided, single submitter. Criteria: GeneDx Variant Classification Process June 2021. Collection method: clinical testing. Allele origin: germline. Affected: yes.
Comment: Not observed at significant frequency in large population cohorts (gnomAD); In silico analysis supports that this missense variant has a deleterious effect on protein structure/function; Has not been previously published as pathogenic or benign to our knowledge

Ambry Genetics
Classification: Uncertain significance for Familial thoracic aortic aneurysm and aortic dissection. Last evaluated: 2023-12-10. Review status: criteria provided, single submitter. Criteria: Ambry Variant Classification Scheme 2023. Collection method: clinical testing. Allele origin: germline.
Comment: The p.G1422R variant (also known as c.4264G>A), located in coding exon 25 of the NOTCH1 gene, results from a G to A substitution at nucleotide position 4264. The glycine at codon 1422 is replaced by arginine, an amino acid with dissimilar properties. This amino acid position is conserved. In addition, this alteration is predicted to be deleterious by in silico analysis. Since supporting evidence is limited at this time, the clinical significance of this alteration remains unclear.

NM_017617.5(NOTCH1):c.4264G>A (p.Gly1422Arg)

Gene: NOTCH1 (notch receptor 1; minus strand). Cytogenetic location: 9q34.3.
Variant type: single nucleotide variant.
Coding change: c.4264G>A on transcript NM_017617.5 (MANE Select); coding-DNA position 4264, G replaced by A.
Protein change: p.Gly1422Arg; replaces glycine 1422 with arginine.
Molecular consequence: missense variant.
Genome position (GRCh38, 1-based): chr9:136,505,632, C>T on the plus strand (G>A on the coding strand, the complement: NOTCH1 is on the minus strand). VCF-style: chr9-136505632-C-T. GRCh37 (hg19) VCF-style: chr9-139400084-C-T.
Other names: c.4264G>A (NM_017617.3); short protein forms G1422R.
Identifiers: ClinVar variation 1396244 (VCV001396244.10), dbSNP rs1255471066, ClinGen allele CA375648630.
Genomic context (GRCh38, chr9:136,505,632, plus strand): 5'-GGGGGATGTCGCGCCCGGCCCCACCCCCGAAGCTGTAGTCCAGGATGTGGCACAAGAGCC[C>T]GTTGAATTTGGCGGGGCACAGGCAACGGTAGAAGGGGCTCTCGGATGTGGGCTCACAGGT-3'
Protein context (NP_060087.3, residues 1412-1432): YRCLCPAKFN[Gly1422Arg]LLCHILDYSF